The following is an entry in ClinVar:

NM_004415.4(DSP):c.6475T>C (p.Tyr2159His)

Gene: DSP (desmoplakin; plus strand). Cytogenetic location: 6p24.3.
Variant type: single nucleotide variant.
Coding change: c.6475T>C on transcript NM_004415.4 (MANE Select); coding-DNA position 6475, T replaced by C.
Protein change: p.Tyr2159His; replaces tyrosine 2159 with histidine.
Molecular consequence: missense variant.
Genome position (GRCh38, 1-based): chr6:7,583,737, T>C. VCF-style: chr6-7583737-T-C. GRCh37 (hg19) VCF-style: chr6-7583970-T-C.
Other names: c.4678T>C, p.Tyr1560His (NM_001008844.3); c.5146T>C, p.Tyr1716His (NM_001319034.2); short protein forms Y1716H, Y2159H, Y1560H.
Identifiers: ClinVar variation 2923835 (VCV002923835.3), dbSNP rs2533941546, ClinGen allele CA362690872.

ClinVar aggregate classification (germline): Uncertain significance (1 of 4 stars; one submission).

Conditions:
Arrhythmogenic cardiomyopathy with wooly hair and keratoderma. Also called: Dilated cardiomyopathy with woolly hair and keratoderma; Arrhythmogenic cardiomyopathy with woolly hair and keratoderma; PALMOPLANTAR KERATODERMA WITH LEFT VENTRICULAR CARDIOMYOPATHY AND WOOLLY HAIR; Carvajal syndrome. Identifiers: Orphanet 65282, MedGen C1854063, MONDO:0011581, OMIM 605676.
Arrhythmogenic right ventricular dysplasia 8 (ARVD8). Also called: Arrhythmogenic Right Ventricular Dysplasia/Cardiomyopathy 8; ARRHYTHMOGENIC RIGHT VENTRICULAR DYSPLASIA, FAMILIAL, 8; ARRHYTHMOGENIC RIGHT VENTRICULAR CARDIOMYOPATHY 8. Identifiers: MedGen C1843896, MONDO:0011831, OMIM 607450.

Submission:

Labcorp Genetics (formerly Invitae), Labcorp
Classification: Uncertain significance for Arrhythmogenic cardiomyopathy with wooly hair and keratoderma; Arrhythmogenic right ventricular dysplasia 8. Last evaluated: 2023-11-17. Review status: criteria provided, single submitter. Criteria: Invitae Variant Classification Sherloc (09022015). Collection method: clinical testing. Allele origin: germline.
Comment: This sequence change replaces tyrosine, which is neutral and polar, with histidine, which is basic and polar, at codon 2159 of the DSP protein (p.Tyr2159His). This variant is not present in population databases (gnomAD no frequency). This variant has not been reported in the literature in individuals affected with DSP-related conditions. An algorithm developed to predict the effect of missense changes on protein structure and function (PolyPhen-2) suggests that this variant is likely to be disruptive. In summary, the available evidence is currently insufficient to determine the role of this variant in disease. Therefore, it has been classified as a Variant of Uncertain Significance.